The following is an entry in ClinVar:

NM_001083926.2(ASRGL1):c.798C>T (p.Ile266=)

Gene: ASRGL1 (asparaginase and isoaspartyl peptidase 1; plus strand). Cytogenetic location: 11q12.3.
Variant type: single nucleotide variant.
Coding change: c.798C>T on transcript NM_001083926.2 (MANE Select); coding-DNA position 798, C replaced by T.
Protein change: p.Ile266=; no amino-acid change (isoleucine 266 retained).
Molecular consequence: synonymous variant.
Genome position (GRCh38, 1-based): chr11:62,392,155, C>T. VCF-style: chr11-62392155-C-T. GRCh37 (hg19) VCF-style: chr11-62159627-C-T.
Other names: c.798C>T (NM_025080.3); c.798C>T, p.Ile266= (NM_025080.4).
Identifiers: ClinVar variation 1168785 (VCV001168785.11), dbSNP rs151164229, ClinGen allele CA6043330.
Genomic context (GRCh38, chr11:62,392,155, plus strand): 5'-GGCTGCGGACCTATCGTTGGGTTATATGAAGTCAAGGGTTAAAGGTTTAGGTGGCCTCAT[C>T]GTGGTTAGCAAAACAGGAGACTGGGTGGCAAAGTGGACCTCCACCTCCATGCCCTGGGCA-3'
Protein context (NP_001077395.1, residues 256-276): KSRVKGLGGL[Ile266=]VVSKTGDWVA

ClinVar aggregate classification (germline): Benign. Review status: criteria provided, single submitter (1 of 4 stars). 2 submissions from 2 submitters: Benign (1). 1 of the submissions does not count toward it. Last evaluated 2026-01-26.

Conditions:
ASRGL1-related disorder. Also called: ASRGL1-related condition.

Allele frequency attached by ClinVar (database versions not stated): 1000 Genomes Project 30x 0.00078; 1000 Genomes Project 0.00100; ESP Exome Variant Server 0.00108; gnomAD exomes 0.00141 and 0.00199; gnomAD 0.00169 and 0.00173; ExAC 0.00191.
gnomAD v4.1: 2,316 of 1,614,182 alleles (0.14%); highest among the groups gnomAD compares: Non-Finnish European, 0.12%; 16 homozygotes.

Submissions (2):

Labcorp Genetics (formerly Invitae), Labcorp
Classification: Benign. Last evaluated: 2026-01-26. Review status: criteria provided, single submitter. Criteria: Invitae Variant Classification Sherloc (09022015). Collection method: clinical testing. Allele origin: germline.

PreventionGenetics, part of Exact Sciences
Classification: Benign for ASRGL1-related condition. Last evaluated: 2019-06-21. Review status: no assertion criteria provided. Collection method: clinical testing. Allele origin: germline. Not counted in ClinVar's aggregate classification.
Comment: This variant is classified as benign based on ACMG/AMP sequence variant interpretation guidelines (Richards et al. 2015 PMID: 25741868, with internal and published modifications).